The following is an entry in ClinVar:

ClinVar aggregate classification (germline): Pathogenic/Likely pathogenic. Review status: criteria provided, multiple submitters, no conflicts (2 of 4 stars). 13 submissions from 13 submitters: Pathogenic (9); Likely pathogenic (3). 1 of the submissions does not count toward it. Last evaluated 2025-09-19.

Conditions:
Gaucher disease-ophthalmoplegia-cardiovascular calcification syndrome. Also called: GAUCHER DISEASE, TYPE IIIC. Identifiers: Orphanet 2072, MedGen C1856476, MONDO:0009268, OMIM 231005.
Lewy body dementia (DLB). Also called: Lewy Body Disease. Identifiers: MedGen C0752347, MONDO:0007488, OMIM 127750.
Parkinson disease, late-onset (PD). Also called: PARKINSON DISEASE, LATE-ONSET, SUSCEPTIBILITY TO; Susceptibility to Parkinson's Disease; Hereditary late onset Parkinson disease. Identifiers: Orphanet 411602, MedGen C3160718, MONDO:0008199, OMIM 168600.
Gaucher disease perinatal lethal. Also called: Gaucher disease collodion type; Gaucher Disease, Perinatal-Lethal Form. Identifiers: Orphanet 85212, MedGen C1842704, MONDO:0011945, OMIM 608013.
Gaucher disease type I (GD1). Also called: Gaucher's disease, type 1; ACID BETA-GLUCOSIDASE DEFICIENCY; GAUCHER DISEASE, NONCEREBRAL JUVENILE; GBA DEFICIENCY; GD I; GLUCOCEREBROSIDASE DEFICIENCY. Identifiers: Orphanet 355, Orphanet 77259, MedGen C1961835, MONDO:0009265, OMIM 230800.
Gaucher disease type II (GD2). Also called: GAUCHER DISEASE, ACUTE NEURONOPATHIC TYPE; GD II; Acute neuronopathic Gaucher's disease; Type 2 Gaucher disease (Acute; Infantile). Identifiers: Orphanet 77260, MedGen C0268250, MONDO:0009266, OMIM 230900.
Gaucher disease type III. Also called: GAUCHER DISEASE, CHRONIC NEURONOPATHIC TYPE; GAUCHER DISEASE, JUVENILE AND ADULT, CEREBRAL; GAUCHER DISEASE, SUBACUTE NEURONOPATHIC TYPE; GD III; Subacute neuronopathic Gaucher's disease; Type 3 Gaucher disease (Subacute; Juvenile). Identifiers: Orphanet 355, Orphanet 77261, MedGen C0268251, MONDO:0009267, OMIM 231000.
Gaucher disease. Also called: Acute cerebral Gaucher disease; Cerebroside lipidosis syndrome; Gaucher splenomegaly; Sphingolipidosis 1; Glucocerebrosidosis; Glucosylceramidase deficiency. Identifiers: Orphanet 355, MedGen C0017205, MONDO:0018150.

Allele frequency attached by ClinVar (database versions not stated): gnomAD 0.00001; TOPMed 0.00001; gnomAD exomes 0.00002.
gnomAD v4.1: 39 of 1,613,430 alleles (0.0024%); highest among the groups gnomAD compares: Non-Finnish European, 0.0031%; no homozygotes.

Submissions (13):

Natera, Inc.
Classification: Pathogenic for Gaucher disease. Last evaluated: 2025-09-19. Review status: criteria provided, single submitter. Criteria: Natera Variant Classification Schema (03/2026). Collection method: clinical testing. Allele origin: germline.
Comment: The c.764T>A variant in GBA1 is a missense variant predicted to cause substitution of phenylalanine to tyrosine at amino acid 255. This variant is rare in the general population with a frequency below the threshold expected for the associated phenotype(s). This variant has been observed in one or more individuals affected with the associated recessive disease, as either homozygous or compound heterozygous with a second variant (PMID: 34649574, 10744424, 24685312). Computational prediction algorithms indicate this variant is likely to affect gene or protein function. Given the available evidence, this variant is classified as Pathogenic.

Revvity Omics, Revvity
Classification: Likely pathogenic. Last evaluated: 2025-08-12. Review status: criteria provided, single submitter. Criteria: ACMG Guidelines, 2015. Collection method: clinical testing. Allele origin: germline.

CeGaT Center for Human Genetics Tuebingen
Classification: Pathogenic. Last evaluated: 2025-04-01. Review status: criteria provided, single submitter. Criteria: CeGaT Center For Human Genetics Tuebingen Variant Classification Criteria Version 2. Collection method: clinical testing. Allele origin: germline. Affected: yes. Observed: 7 variant alleles.
Comment: GBA1: PM3:Strong, PM1, PM2, PM5, PS3:Moderate, PP3

GeneDx
Classification: Pathogenic. Last evaluated: 2024-06-20. Review status: criteria provided, single submitter. Criteria: GeneDx Variant Classification Process June 2021. Collection method: clinical testing. Allele origin: germline. Affected: yes.
Comment: Published functional studies demonstrate that the variant results in less than 0.5% of wild-type enzyme activity and absence of mature GBA peptide (PMID: 8294487); In silico analysis supports that this missense variant has a deleterious effect on protein structure/function; Also known as p.(F216Y); This variant is associated with the following publications: (PMID: 1974409, 32618053, 32714263, 37152446, 8294487, 23635853, 30302829)

Women's Health and Genetics/Laboratory Corporation of America, LabCorp
Classification: Pathogenic for Gaucher disease. Last evaluated: 2022-11-02. Review status: criteria provided, single submitter. Criteria: LabCorp Variant Classification Summary - May 2015. Collection method: clinical testing. Allele origin: germline.
Comment: Variant summary: GBA c.764T>A (p.Phe255Tyr) results in a conservative amino acid change located in the Glycosyl hydrolase family 30, TIM-barrel domain of the encoded protein sequence. Four of five in-silico tools predict a damaging effect of the variant on protein function. The variant allele was found at a frequency of 1.6e-05 in 249870 control chromosomes. c.764T>A has been reported in the literature in individuals affected with Gaucher Disease (Beutler_1993, DAmore_2021). These data indicate that the variant is likely to be associated with disease. At least one publication reports experimental evidence evaluating an impact on protein function. The most pronounced variant effect results in <1% of normal activity (Grace_1994). Eight clinical diagnostic laboratories have submitted clinical-significance assessments for this variant to ClinVar after 2014 without evidence for independent evaluation. All laboratories classified the variant as pathogenic/likely pathogenic. Based on the evidence outlined above, the variant was classified as pathogenic.

Fulgent Genetics
Classification: Pathogenic for Lewy body dementia; Parkinson disease, late-onset; Gaucher disease type I; Gaucher disease type II; Gaucher disease type III; Gaucher disease-ophthalmoplegia-cardiovascular calcification syndrome; Gaucher disease perinatal lethal. Last evaluated: 2022-03-16. Review status: criteria provided, single submitter. Criteria: ACMG Guidelines, 2015. Collection method: clinical testing. Allele origin: unknown.

AiLife Diagnostics
Classification: Likely pathogenic. Last evaluated: 2022-02-25. Review status: criteria provided, single submitter. Criteria: ACMG Guidelines, 2015. Collection method: clinical testing. Allele origin: germline. Affected: yes. Observed: 2 variant alleles.

Mayo Clinic Laboratories, Mayo Clinic
Classification: Pathogenic. Last evaluated: 2021-05-28. Review status: criteria provided, single submitter. Criteria: ACMG Guidelines, 2015. Collection method: clinical testing. Allele origin: germline.
Comment: PS3, PM2, PS4_moderate, PP3, PP4

Institute of Human Genetics, University of Leipzig Medical Center
Classification: Likely pathogenic for Parkinson disease, late-onset. Last evaluated: 2020-10-29. Review status: criteria provided, single submitter. Criteria: ACMG Guidelines, 2015. Collection method: clinical testing. Allele origin: unknown. Affected: yes.

Institute of Human Genetics Munich, TUM University Hospital
Classification: Pathogenic for Parkinson disease, late-onset. Last evaluated: 2020-09-29. Review status: criteria provided, single submitter. Criteria: Classification criteria August 2017. Collection method: clinical testing. Allele origin: germline. Inheritance: Autosomal dominant inheritance. Affected: yes. Observed: 1 variant allele.

Broad Center for Mendelian Genomics, Broad Institute of MIT and Harvard
Classification: Pathogenic for Gaucher disease. Last evaluated: 2020-01-14. Review status: criteria provided, single submitter. Criteria: ACMG Guidelines, 2015. Collection method: curation. Allele origin: germline. Inheritance: Autosomal recessive inheritance.
Comment: The p.Phe255Tyr variant in GBA has been reported in at least 6 individuals with Gaucher disease, segregated with disease in 3 affected relatives from 1 family, (PMID: 23811968, 24685312, 12587096, 12587096) and has been identified in 0.004% (5/128154) of European (non-Finnish) chromosomes by the Genome Aggregation Database (gnomAD; dbSNP rs74500255). Although this variant has been seen in the general population, its frequency is low enough to be consistent with a recessive carrier frequency. This variant has also been reported in ClinVar (VariationID: 4298) as pathogenic by OMIM and as likely pathogenic by GeneDx. In vitro functional studies provide some evidence that the p.Phe255Tyr variant may impact protein function (PMID: 8294487). However, these types of assays may not accurately represent biological function. Computational prediction tools and conservation analyses suggest that this variant may impact the protein, though this information is not predictive enough to determine pathogenicity. The presence of this variant in combination with a reported pathogenic variant and in at least 5 individuals with Gaucher disease increases the likelihood that the p.Phe255Tyr variant is pathogenic (VariationID: 4290; PMID: 23635853, 24685312, 23811968, 12587096). In summary, this variant meets criteria to be classified as pathogenic for Gaucher disease in an autosomal recessive manner based on the presence of the variant in combination with other pathogenic variants in affected individuals, functional studies, and co-segregation of the variant with disease. ACMG/AMP Criteria applied: PM3_strong, PM2, PS3_moderate, PP3, PP1 (Richards 2015).

Baylor Genetics
Classification: Pathogenic for Gaucher disease type I; Gaucher disease type II; Gaucher disease type III; Gaucher disease-ophthalmoplegia-cardiovascular calcification syndrome. Review status: criteria provided, single submitter. Criteria: ACMG Guidelines, 2015. Collection method: clinical testing. Allele origin: germline.

OMIM
Classification: Pathogenic for GAUCHER DISEASE, TYPE I. Last evaluated: 1992-04-01. Review status: no assertion criteria provided. Collection method: literature only. Allele origin: germline. Not counted in ClinVar's aggregate classification.

Literature cited by the submitters: PubMed 34649574 (cited by Natera, Inc. and Women's Health and Genetics/Laboratory Corporation of America, LabCorp); PubMed 10744424 (cited by Natera, Inc.); PubMed 24685312 (cited by 3 submitters); PubMed 8294487 (cited by 4 submitters); PubMed 8280613 (cited by Women's Health and Genetics/Laboratory Corporation of America, LabCorp); PubMed 1974409 (cited by AiLife Diagnostics and Mayo Clinic Laboratories, Mayo Clinic); PubMed 30302829 (cited by AiLife Diagnostics and Mayo Clinic Laboratories, Mayo Clinic); PubMed 32618053 (cited by AiLife Diagnostics and Mayo Clinic Laboratories, Mayo Clinic); PubMed 23635853 (cited by 3 submitters); PubMed 32714263 (cited by AiLife Diagnostics); PubMed 12587096 (cited by Mayo Clinic Laboratories, Mayo Clinic and Broad Center for Mendelian Genomics, Broad Institute of MIT and Harvard); PubMed 23811968 (cited by Mayo Clinic Laboratories, Mayo Clinic and Broad Center for Mendelian Genomics, Broad Institute of MIT and Harvard); PubMed 1558964 (cited by OMIM).

NM_000157.4(GBA1):c.764T>A (p.Phe255Tyr)

Genes: GBA1 (glucosylceramidase beta 1; minus strand), LOC106627981 (GBA recombination region; plus strand). Cytogenetic location: 1q22.
Variant type: single nucleotide variant.
Coding change: c.764T>A on transcript NM_000157.4 (MANE Select); coding-DNA position 764, T replaced by A.
Protein change: p.Phe255Tyr; replaces phenylalanine 255 with tyrosine.
Molecular consequence: missense variant.
Genome position (GRCh38, 1-based): chr1:155,237,576, A>T on the plus strand (T>A on the coding strand, the complement: GBA1 is on the minus strand). VCF-style: chr1-155237576-A-T. GRCh37 (hg19) VCF-style: chr1-155207367-A-T.
Other names: F216Y; c.764T>A, p.Phe255Tyr (NM_001005741.3, NM_001005742.3); c.503T>A, p.Phe168Tyr (NM_001171811.2); c.617T>A, p.Phe206Tyr (NM_001171812.2); c.764T>A (NM_000157.3); short protein forms F255Y, F168Y, F206Y.
Identifiers: ClinVar variation 4298 (VCV000004298.53), dbSNP rs74500255, ClinGen allele CA253065.
Genomic context (GRCh38, chr1:155,237,576, plus strand): 5'-GGCTCATTTTCAGCTGTCACTGCCCAGAACTGTAACTTGTGCTCAGCATAGGCATCCAGG[A>T]ACCTGGCAAGAGAAAGGTCATGAATGATCCGGCCAAGAAAGTGGACCAGACCAGCTGGGT-3'
Protein context (NP_000148.2, residues 245-265): HQTWARYFVK[Phe255Tyr]LDAYAEHKLQ